The following is an entry in ClinVar:

ClinVar aggregate classification (germline): Uncertain significance (1 of 4 stars; one submission).

Conditions:
Immunodeficiency, common variable, 10. Also called: DEFICIT IN ANTERIOR PITUITARY FUNCTION AND VARIABLE IMMUNODEFICIENCY; IMMUNODEFICIENCY, COMMON VARIABLE, WITH CENTRAL ADRENAL INSUFFICIENCY. Identifiers: MedGen C3809991, MONDO:0014260, OMIM 615577.

Submission:

Labcorp Genetics (formerly Invitae), Labcorp
Classification: Uncertain significance for Immunodeficiency, common variable, 10. Last evaluated: 2025-07-30. Review status: criteria provided, single submitter. Criteria: Invitae Variant Classification Sherloc (09022015). Collection method: clinical testing. Allele origin: germline.
Comment: This sequence change replaces aspartic acid, which is acidic and polar, with histidine, which is basic and polar, at codon 865 of the NFKB2 protein (p.Asp865His). This variant is not present in population databases (gnomAD no frequency). This variant has not been reported in the literature in individuals affected with NFKB2-related conditions. An algorithm developed to predict the effect of missense changes on protein structure and function (PolyPhen-2) suggests that this variant is likely to be disruptive. In summary, the available evidence is currently insufficient to determine the role of this variant in disease. Therefore, it has been classified as a Variant of Uncertain Significance.

NM_001322934.2(NFKB2):c.2593G>C (p.Asp865His)

Gene: NFKB2 (nuclear factor kappa B subunit 2; plus strand). Cytogenetic location: 10q24.32.
Variant type: single nucleotide variant.
Coding change: c.2593G>C on transcript NM_001322934.2 (MANE Select); coding-DNA position 2593, G replaced by C.
Protein change: p.Asp865His; replaces aspartic acid 865 with histidine.
Molecular consequence: missense variant.
Genome position (GRCh38, 1-based): chr10:102,402,266, G>C. VCF-style: chr10-102402266-G-C. GRCh37 (hg19) VCF-style: chr10-104162023-G-C.
Other names: c.2593G>C, p.Asp865His (NM_001077494.3); c.2590G>C, p.Asp864His (NM_001261403.3, NM_001288724.1, NM_002502.6); c.2467G>C, p.Asp823His (NM_001322935.1); short protein forms D823H, D864H, D865H.
Identifiers: ClinVar variation 4724325 (VCV004724325.1).